The following is an entry in ClinVar:

NM_058216.3(RAD51C):c.145+1G>T

Gene: RAD51C (RAD51 paralog C; plus strand). Cytogenetic location: 17q22.
Variant type: single nucleotide variant.
Coding change: c.145+1G>T on transcript NM_058216.3 (MANE Select); the canonical splice donor site of the intron after coding-DNA position 145, G replaced by T.
Molecular consequence: splice donor variant.
Genome position (GRCh38, 1-based): chr17:58,692,789, G>T. VCF-style: chr17-58692789-G-T. GRCh37 (hg19) VCF-style: chr17-56770150-G-T.
Other names: c.145+1G>T (NM_002876.4).
Identifiers: ClinVar variation 233766 (VCV000233766.23), dbSNP rs757128712, ClinGen allele CA10580723.
Genomic context (GRCh38, chr17:58,692,789, plus strand): 5'-CTGCGGGGTTCCAGACTGCTGAGGAACTCCTAGAGGTGAAACCCTCCGAGCTTAGCAAAG[G>T]TAACGACTCCTGATGGCAAGCTGAGGCACACCGGCCGCCGTCAGCGCCGCCTCAGTCTTC-3'

ClinVar aggregate classification (germline): Pathogenic/Likely pathogenic. Review status: criteria provided, multiple submitters, no conflicts (2 of 4 stars). 8 submissions from 8 submitters: Pathogenic (5); Likely pathogenic (2). 1 of the submissions does not count toward it. Last evaluated 2025-05-14.

Conditions:
RAD51C-related disorder. Also called: RAD51C-related condition; RAD51C-related disorders.
Hereditary cancer-predisposing syndrome. Also called: Neoplastic Syndromes, Hereditary; Tumor predisposition; Hereditary Cancer Syndrome; Hereditary neoplastic syndrome. Identifiers: Orphanet 140162, MedGen C0027672, MeSH D009386, MONDO:0015356.
Breast-ovarian cancer, familial, susceptibility to, 3. Also called: RAD51C-Related Breast/Ovarian Cancer. Identifiers: Orphanet 145, MedGen C3150659, MONDO:0013253, OMIM 613399.
Fanconi anemia complementation group O. Also called: RAD51C-Related Fanconi Anemia. Identifiers: Orphanet 84, MedGen C3150653, MONDO:0013248, OMIM 613390.

gnomAD v4.1: 1 of 1,614,194 alleles (0.000062%); highest among the groups gnomAD compares: Non-Finnish European, 0.000085%; no homozygotes.

Submissions (8):

PreventionGenetics, part of Exact Sciences
Classification: Pathogenic for RAD51C-related condition. Last evaluated: 2025-05-14. Review status: criteria provided, single submitter. Criteria: ACMG Guidelines, 2015. Collection method: clinical testing. Allele origin: germline.
Comment: The RAD51C c.145+1G>T variant is predicted to disrupt the GT donor site and interfere with normal splicing. This variant has been reported in siblings with a history of breast and ovarian cancer (Meindl et al. 2010. PubMed ID: 20400964). In vitro functional analysis of this variant demonstrated abnormal splicing (Meindl et al. 2010. PubMed ID: 20400964).This variant has not been reported in a large population database and has been interpreted as pathogenic/likely pathogenic in the ClinVar database. Variants that disrupt the consensus splice donor site in RAD51C are expected to be pathogenic. This variant is interpreted as pathogenic.

Ambry Genetics
Classification: Pathogenic for Hereditary cancer-predisposing syndrome. Last evaluated: 2024-07-18. Review status: criteria provided, single submitter. Criteria: Ambry Variant Classification Scheme 2023. Collection method: clinical testing. Allele origin: germline.
Comment: The c.145+1G>T intronic pathogenic mutation results from a G to T substitution one nucleotide after coding exon 1 of the RAD51C gene. This mutation was identified in a German breast and ovarian cancer family. RT-PCR analysis of a c.145+1G>T splicing reporter showed complete inactivation of the donor site. In addition, breast tumor tissue from a c.145+1G>T mutation carrier demonstrated loss of the wild-type allele (Meindl A et al. Nat Genet. 2010 May;42(5):410-4). In silico splice site analysis predicts that this alteration will weaken the native splice donor site; however, direct evidence is insufficient at this time (Ambry internal data). This variant is considered to be rare based on population cohorts in the Genome Aggregation Database (gnomAD). Alterations that disrupt the canonical splice site are expected to cause aberrant splicing, resulting in an abnormal protein or a transcript that is subject to nonsense-mediated mRNA decay. As such, this alteration is classified as a disease-causing mutation.

Labcorp Genetics (formerly Invitae), Labcorp
Classification: Pathogenic for Fanconi anemia complementation group O. Last evaluated: 2024-07-09. Review status: criteria provided, single submitter. Criteria: Invitae Variant Classification Sherloc (09022015). Collection method: clinical testing. Allele origin: germline.
Comment: This sequence change affects a donor splice site in intron 1 of the RAD51C gene. RNA analysis indicates that disruption of this splice site induces altered splicing and may result in an absent or altered protein product. This variant is not present in population databases (gnomAD no frequency). Disruption of this splice site has been observed in individual(s) with breast and/or ovarian cancer (PMID: 20400964). ClinVar contains an entry for this variant (Variation ID: 233766). Studies have shown that disruption of this splice site alters mRNA splicing and is expected to lead to the loss of protein expression (PMID: 20400964; Invitae). For these reasons, this variant has been classified as Pathogenic.

Myriad Genetics, Inc.
Classification: Likely pathogenic for Breast-ovarian cancer, familial, susceptibility to, 3. Last evaluated: 2024-01-02. Review status: criteria provided, single submitter. Criteria: Myriad Autosomal Dominant, Autosomal Recessive and X-Linked Classification Criteria (2023). Collection method: clinical testing. Allele origin: unknown.
Comment: This variant is considered likely pathogenic. This variant occurs within a consensus splice junction and is predicted to result in abnormal mRNA splicing of either an out-of-frame exon or an in-frame exon necessary for protein stability and/or normal function.

GeneDx
Classification: Pathogenic. Last evaluated: 2023-08-10. Review status: criteria provided, single submitter. Criteria: GeneDx Variant Classification Process June 2021. Collection method: clinical testing. Allele origin: germline. Affected: yes.
Comment: Canonical splice site variant shown to result in aberrant splicing and a nonfunctional transcript in a gene for which loss of function is a known mechanism of disease (Meindl et al., 2010); Observed in individuals with RAD51C-related cancers (Meindl et al., 2010); Not observed at significant frequency in large population cohorts (gnomAD); This variant is associated with the following publications: (PMID: 24993905, 21537932, 25470109, 23117857, 32398771, 20400964)

Baylor Genetics
Classification: Pathogenic for Breast-ovarian cancer, familial, susceptibility to, 3. Last evaluated: 2021-12-13. Review status: criteria provided, single submitter. Criteria: ACMG Guidelines, 2015. Collection method: clinical testing. Allele origin: unknown.

Color Diagnostics, LLC DBA Color Health
Classification: Likely pathogenic for Hereditary cancer-predisposing syndrome. Last evaluated: 2020-02-27. Review status: criteria provided, single submitter. Criteria: ACMG Guidelines, 2015. Collection method: clinical testing. Allele origin: germline.
Comment: This variant causes a G to T nucleotide substitution at the +1 position of intron 1 of the RAD51C gene. A RNA study has shown reduced level of the wild-type transcript and increased level of a non-functional transcript that uses an alternative intron 1 splice donor site (PMID:20400964). This variant has been observed in related individuals affected with breast or ovarian cancer (PMID:20400964). This variant has not been identified in the general population by the Genome Aggregation Database (gnomAD). Loss of RAD51C function is a known mechanism of disease. Based on the available evidence, this variant is classified as Likely Pathogenic.

Leiden Open Variation Database
Classification: Pathogenic. Last evaluated: 2014-11-02. Review status: no assertion criteria provided. Collection method: curation. Allele origin: germline. Affected: yes. Not counted in ClinVar's aggregate classification.
Comment: Curator: Arleen D. Auerbach. Submitter to LOVD: Johan den Dunnen.

Literature cited by the submitters: PubMed 20400964 (cited by 3 submitters).